The following is an entry in ClinVar:

ClinVar aggregate classification (germline): Uncertain significance (1 of 4 stars; one submission).

Submission:

GeneDx
Classification: Uncertain significance. Last evaluated: 2019-10-31. Review status: criteria provided, single submitter. Criteria: GeneDx Variant Classification Process June 2021. Collection method: clinical testing. Allele origin: germline. Affected: yes.
Comment: Not observed in large population cohorts (Lek et al., 2016); In silico analysis, which includes protein predictors and evolutionary conservation, supports that this variant does not alter protein structure/function; Has not been previously published as pathogenic or benign to our knowledge

NM_001846.4(COL4A2):c.734T>C (p.Val245Ala)

Gene: COL4A2 (collagen type IV alpha 2 chain; plus strand). Cytogenetic location: 13q34.
Variant type: single nucleotide variant.
Coding change: c.734T>C on transcript NM_001846.4 (MANE Select); coding-DNA position 734, T replaced by C.
Protein change: p.Val245Ala; replaces valine 245 with alanine.
Molecular consequence: missense variant.
Genome position (GRCh38, 1-based): chr13:110,436,276, T>C. VCF-style: chr13-110436276-T-C. GRCh37 (hg19) VCF-style: chr13-111088623-T-C.
Other names: short protein forms V245A.
Identifiers: ClinVar variation 1315915 (VCV001315915.2), dbSNP rs746759612, ClinGen allele CA388731256.
Genomic context (GRCh38, chr13:110,436,276, plus strand): 5'-TTTGTAGTTTCCTTTCGATTTAAAGACAACTGCTTTTGCTTAACAATATGCAGGGTGACG[T>C]AGGGCAGCCGGGACCCAACGGGATTCCATCAGACACCCTCCACCCCATCATCGCGCCCAC-3'
Protein context (NP_001837.2, residues 235-255): FYGVKGEKGD[Val245Ala]GQPGPNGIPS